The following is an entry in ClinVar:

NM_020693.4(DSCAML1):c.2188G>A (p.Gly730Arg)

Gene: DSCAML1 (DS cell adhesion molecule like 1; minus strand). Cytogenetic location: 11q23.3.
Variant type: single nucleotide variant.
Coding change: c.2188G>A on transcript NM_020693.4 (MANE Select); coding-DNA position 2188, G replaced by A.
Protein change: p.Gly730Arg; replaces glycine 730 with arginine.
Molecular consequence: missense variant.
Genome position (GRCh38, 1-based): chr11:117,504,016, C>T on the plus strand (G>A on the coding strand, the complement: DSCAML1 is on the minus strand). VCF-style: chr11-117504016-C-T. GRCh37 (hg19) VCF-style: chr11-117374731-C-T.
Other names: c.2188G>A, p.Gly730Arg (NM_001367904.1); short protein forms G730R.
Identifiers: ClinVar variation 1925513 (VCV001925513.5), dbSNP rs778578406, ClinGen allele CA6297072.

ClinVar aggregate classification (germline): Uncertain significance (1 of 4 stars; one submission).

Allele frequency attached by ClinVar (database versions not stated): ExAC 0.00001; gnomAD 0.00001; gnomAD exomes 0.00001; TOPMed 0.00002.
gnomAD v4.1: 11 of 1,613,528 alleles (0.00068%); highest among the groups gnomAD compares: South Asian, 0.0011%; no homozygotes.

Submission:

Labcorp Genetics (formerly Invitae), Labcorp
Classification: Uncertain significance. Last evaluated: 2024-04-04. Review status: criteria provided, single submitter. Criteria: Invitae Variant Classification Sherloc (09022015). Collection method: clinical testing. Allele origin: germline.
Comment: This sequence change replaces glycine, which is neutral and non-polar, with arginine, which is basic and polar, at codon 790 of the DSCAML1 protein (p.Gly790Arg). This variant is present in population databases (rs778578406, gnomAD 0.003%). This variant has not been reported in the literature in individuals affected with DSCAML1-related conditions. ClinVar contains an entry for this variant (Variation ID: 1925513). An algorithm developed to predict the effect of missense changes on protein structure and function (PolyPhen-2) suggests that this variant is likely to be disruptive. In summary, the available evidence is currently insufficient to determine the role of this variant in disease. Therefore, it has been classified as a Variant of Uncertain Significance.